The following is an entry in ClinVar:

NM_001253697.2(ERBIN):c.3974G>A (p.Arg1325Lys)

Gene: ERBIN (erbb2 interacting protein; plus strand). Cytogenetic location: 5q12.3.
Variant type: single nucleotide variant.
Coding change: c.3974G>A on transcript NM_001253697.2 (MANE Select); coding-DNA position 3974, G replaced by A.
Protein change: p.Arg1325Lys; replaces arginine 1325 with lysine.
Molecular consequence: missense variant.
Genome position (GRCh38, 1-based): chr5:66,076,326, G>A. VCF-style: chr5-66076326-G-A. GRCh37 (hg19) VCF-style: chr5-65372154-G-A.
Other names: c.3644G>A, p.Arg1215Lys (NM_001006600.3); c.3851G>A, p.Arg1284Lys (NM_001253698.2, NM_018695.4); c.3995G>A, p.Arg1332Lys (NM_001253699.2); c.3839G>A, p.Arg1280Lys (NM_001253701.2); short protein forms R1215K, R1280K, R1284K, R1325K, R1332K.
Identifiers: ClinVar variation 3628679 (VCV003628679.2).

ClinVar aggregate classification (germline): Uncertain significance (1 of 4 stars; one submission).

Submission:

Labcorp Genetics (formerly Invitae), Labcorp
Classification: Uncertain significance. Last evaluated: 2024-05-02. Review status: criteria provided, single submitter. Criteria: Invitae Variant Classification Sherloc (09022015). Collection method: clinical testing. Allele origin: germline.
Comment: This sequence change replaces arginine, which is basic and polar, with lysine, which is basic and polar, at codon 1325 of the ERBIN protein (p.Arg1325Lys). This variant is not present in population databases (gnomAD no frequency). This variant has not been reported in the literature in individuals affected with ERBIN-related conditions. An algorithm developed to predict the effect of missense changes on protein structure and function (PolyPhen-2) suggests that this variant is likely to be tolerated. In summary, the available evidence is currently insufficient to determine the role of this variant in disease. Therefore, it has been classified as a Variant of Uncertain Significance.